The following is an entry in ClinVar:

NC_000019.9:g.(?_11094828)_(11100129_?)dup

Gene: SMARCA4 (SWI/SNF related BAF chromatin remodeling complex subunit ATPase 4; plus strand). Cytogenetic location: 19p13.2.
Variant type: Duplication.
Identifiers: ClinVar variation 1410203 (VCV001410203.4).

ClinVar aggregate classification (germline): Uncertain significance (1 of 4 stars; one submission).

Conditions:
Rhabdoid tumor predisposition syndrome 2 (RTPS2). Identifiers: Orphanet 231108, Orphanet 69077, MedGen C2750074, MONDO:0013224, OMIM 613325.

Submission:

Labcorp Genetics (formerly Invitae), Labcorp
Classification: Uncertain significance for Rhabdoid tumor predisposition syndrome 2. Last evaluated: 2020-11-17. Review status: criteria provided, single submitter. Criteria: Invitae Variant Classification Sherloc (09022015). Collection method: clinical testing. Allele origin: germline.
Comment: In summary, the available evidence is currently insufficient to determine the role of this variant in disease. Therefore, it has been classified as a Variant of Uncertain Significance. This variant has not been reported in the literature in individuals with SMARCA4-related conditions. This variant results in a copy number gain of the genomic region encompassing exon(s) 2-7 of the SMARCA4 gene. This region includes the initiator codon of the gene. The 5' end of this event is unknown as it extends beyond the assayed region for this gene and therefore may encompass additional genes. The 3' boundary is likely confined to intron 7 of the SMARCA4 gene. As the precise location of this event is unknown, it may be in tandem or it may be located elsewhere in the genome.